The following is an entry in ClinVar:

NM_003235.5(TG):c.246C>T (p.Gly82=)

Gene: TG (thyroglobulin; plus strand). Cytogenetic location: 8q24.22.
Variant type: single nucleotide variant.
Coding change: c.246C>T on transcript NM_003235.5 (MANE Select); coding-DNA position 246, C replaced by T.
Protein change: p.Gly82=; no amino-acid change (glycine 82 retained).
Molecular consequence: synonymous variant.
Genome position (GRCh38, 1-based): chr8:132,869,798, C>T. VCF-style: chr8-132869798-C-T. GRCh37 (hg19) VCF-style: chr8-133882043-C-T.
Identifiers: ClinVar variation 2658824 (VCV002658824.24), dbSNP rs2489460508, ClinGen allele CA463013403.
Genomic context (GRCh38, chr8:132,869,798, plus strand): 5'-GTGCCAGAACGACGGCCGCTCCTGCTGGTGTGTGGGTGCCAACGGCAGTGAAGTGCTGGG[C>T]AGCAGGCAGCCAGGACGGCCTGTGGCTTGTAAGTGGGAGTGGGGGACGTCCCTTGGAGGG-3'
Protein context (NP_003226.4, residues 72-92): CVGANGSEVL[Gly82=]SRQPGRPVAC

ClinVar aggregate classification (germline): Likely benign (1 of 4 stars; one submission).

Submission:

CeGaT Center for Human Genetics Tuebingen
Classification: Likely benign. Last evaluated: 2022-11-01. Review status: criteria provided, single submitter. Criteria: CeGaT Center For Human Genetics Tuebingen Variant Classification Criteria Version 2. Collection method: clinical testing. Allele origin: germline. Affected: yes. Observed: 1 variant allele.
Comment: TG: PM2:Supporting, BP4, BP7